The following is an entry in ClinVar:

NM_001365999.1(SZT2):c.5803C>T (p.Arg1935Trp)

Gene: SZT2 (SZT2 subunit of KICSTOR complex; plus strand). Cytogenetic location: 1p34.2.
Variant type: single nucleotide variant.
Coding change: c.5803C>T on transcript NM_001365999.1 (MANE Select); coding-DNA position 5803, C replaced by T.
Protein change: p.Arg1935Trp; replaces arginine 1935 with tryptophan.
Molecular consequence: missense variant.
Genome position (GRCh38, 1-based): chr1:43,433,189, C>T. VCF-style: chr1-43433189-C-T. GRCh37 (hg19) VCF-style: chr1-43898860-C-T.
Other names: c.5632C>T, p.Arg1878Trp (NM_015284.4); short protein forms R1935W, R1878W.
Identifiers: ClinVar variation 654297 (VCV000654297.17), dbSNP rs745371792, ClinGen allele CA809694.

ClinVar aggregate classification (germline): Uncertain significance. Review status: criteria provided, multiple submitters, no conflicts (2 of 4 stars). 5 submissions from 5 submitters: Uncertain significance (5). Last evaluated 2025-10-13.

Conditions:
Inborn genetic diseases. Identifiers: MedGen C0950123, MeSH D030342.
Developmental and epileptic encephalopathy, 18 (DEE18). Also called: Early infantile epileptic encephalopathy 18. Identifiers: Orphanet 369894, MedGen C3809624, MONDO:0014201, OMIM 615476.

Allele frequency attached by ClinVar (database versions not stated): gnomAD 0.00002; TOPMed 0.00004; gnomAD exomes 0.00008 and 0.00010; ExAC 0.00016.
gnomAD v4.1: 121 of 1,613,020 alleles (0.0075%); highest among the groups gnomAD compares: Non-Finnish European, 0.0086%; no homozygotes.

Submissions (5):

Labcorp Genetics (formerly Invitae), Labcorp
Classification: Uncertain significance. Last evaluated: 2025-10-13. Review status: criteria provided, single submitter. Criteria: Invitae Variant Classification Sherloc (09022015). Collection method: clinical testing. Allele origin: germline.
Comment: This sequence change replaces arginine, which is basic and polar, with tryptophan, which is neutral and slightly polar, at codon 1878 of the SZT2 protein (p.Arg1878Trp). This variant is present in population databases (rs745371792, gnomAD 0.02%). This variant has not been reported in the literature in individuals affected with SZT2-related conditions. ClinVar contains an entry for this variant (Variation ID: 654297). An algorithm developed to predict the effect of missense changes on protein structure and function (PolyPhen-2) suggests that this variant is likely to be disruptive. In summary, the available evidence is currently insufficient to determine the role of this variant in disease. Therefore, it has been classified as a Variant of Uncertain Significance.

Ambry Genetics
Classification: Uncertain significance for Inborn genetic diseases. Last evaluated: 2024-06-16. Review status: criteria provided, single submitter. Criteria: Ambry Variant Classification Scheme 2023. Collection method: clinical testing. Allele origin: germline.

Blueprint Genetics
Classification: Uncertain significance. Last evaluated: 2024-01-09. Review status: criteria provided, single submitter. Criteria: ACMG Guidelines, 2015. Collection method: clinical testing. Allele origin: germline.

Genome-Nilou Lab
Classification: Uncertain significance for Developmental and epileptic encephalopathy, 18. Last evaluated: 2023-04-11. Review status: criteria provided, single submitter. Criteria: ACMG Guidelines, 2015. Collection method: clinical testing. Allele origin: germline. Affected: no.

GeneDx
Classification: Uncertain significance. Last evaluated: 2023-02-03. Review status: criteria provided, single submitter. Criteria: GeneDx Variant Classification Process June 2021. Collection method: clinical testing. Allele origin: germline. Affected: yes.
Comment: In silico analysis, which includes protein predictors and evolutionary conservation, supports a deleterious effect; Has not been previously published as pathogenic or benign to our knowledge